The following is an entry in ClinVar:

NM_000530.8(MPZ):c.130_137del (p.Ser44fs)

Gene: MPZ (myelin protein zero; minus strand). Cytogenetic location: 1q23.3.
Variant type: Deletion.
Coding change: c.130_137del on transcript NM_000530.8 (MANE Select); coding-DNA positions 130 to 137, 8 bases deleted (TCCCGGGT; older notation c.130_137delTCCCGGGT).
Protein change: p.Ser44fs; shifts the reading frame from serine 44.
Molecular consequence: frameshift variant.
Genome position (GRCh38, 1-based): chr1:161,307,355-161,307,362, ACCCGGGA deleted on the plus strand (TCCCGGGT on the coding strand, the reverse complement: MPZ is on the minus strand). VCF-style (leftmost placement, unchanged base first): chr1-161307354-CACCCGGGA-C. GRCh37 (hg19) VCF-style: chr1-161277144-CACCCGGGA-C.
Other names: c.130_137del (LRG_256t1, NM_000530.6); c.130_137del, p.Ser44fs (NM_001315491.2); short protein forms S44fs.
Identifiers: ClinVar variation 637764 (VCV000637764.15), dbSNP rs1571820186, ClinGen allele CA915943876.

ClinVar aggregate classification (germline): Pathogenic/Likely pathogenic. Review status: criteria provided, multiple submitters, no conflicts (2 of 4 stars). 3 submissions from 3 submitters: Pathogenic (1); Likely pathogenic (1). 1 of the submissions does not count toward it. Last evaluated 2025-10-14.

Conditions:
Charcot-Marie-Tooth disease. Also called: Charcot-Marie-Tooth Hereditary Neuropathy; Charcot-Marie-Tooth Neuropathy. Identifiers: Orphanet 166, MedGen C0007959, MONDO:0015626.
Charcot-Marie-Tooth disease, type I (CMT1). Also called: Charcot-Marie-Tooth disease type 1; Charcot-Marie-Tooth, Type 1. Identifiers: Orphanet 65753, MedGen C0751036, MONDO:0019011.

Submissions (3):

Labcorp Genetics (formerly Invitae), Labcorp
Classification: Pathogenic for Charcot-Marie-Tooth disease, type I. Last evaluated: 2025-10-14. Review status: criteria provided, single submitter. Criteria: Invitae Variant Classification Sherloc (09022015). Collection method: clinical testing. Allele origin: germline.
Comment: This sequence change creates a premature translational stop signal (p.Ser44Aspfs*10) in the MPZ gene. It is expected to result in an absent or disrupted protein product. Loss-of-function variants in MPZ are known to be pathogenic (PMID: 14711881). This variant is not present in population databases (gnomAD no frequency). This premature translational stop signal has been observed in individual(s) with clinical features of Charcot-Marie-Tooth disease (PMID: 22622165). Invitae Evidence Modeling of clinical and family history, age, sex, and reported ancestry of multiple individuals with this MPZ variant has been performed. This variant is expected to be pathogenic with a positive predictive value of at least 99%. This is a validated machine learning model that incorporates the clinical features of 13,236 individuals referred to our laboratory for MPZ testing. This variant is also known as c.160_167delTCCCGGGT. ClinVar contains an entry for this variant (Variation ID: 637764). For these reasons, this variant has been classified as Pathogenic.

Mayo Clinic Laboratories, Mayo Clinic
Classification: Likely pathogenic. Last evaluated: 2021-03-02. Review status: criteria provided, single submitter. Criteria: ACMG Guidelines, 2015. Collection method: clinical testing. Allele origin: germline. Observed: 1 variant allele.
Comment: PVS1, PM2

Inherited Neuropathy Consortium
Classification: Uncertain significance for Charcot-Marie-Tooth disease. Review status: no assertion criteria provided. Collection method: literature only. Allele origin: germline. Affected: yes. Not counted in ClinVar's aggregate classification.

Literature cited by the submitters: PubMed 14711881 (cited by Labcorp Genetics (formerly Invitae), Labcorp); PubMed 22622165 (cited by 3 submitters).